The following is an entry in ClinVar:

ClinVar aggregate classification (germline): Uncertain significance (1 of 4 stars; one submission).

Allele frequency attached by ClinVar (database versions not stated): gnomAD 0.00001; ExAC 0.00002; gnomAD exomes 0.00002; TOPMed 0.00002.
gnomAD v4.1: 26 of 1,612,848 alleles (0.0016%); highest among the groups gnomAD compares: Middle Eastern, 0.016%; no homozygotes.

Submission:

Labcorp Genetics (formerly Invitae), Labcorp
Classification: Uncertain significance. Last evaluated: 2022-01-21. Review status: criteria provided, single submitter. Criteria: Invitae Variant Classification Sherloc (09022015). Collection method: clinical testing. Allele origin: germline.
Comment: This variant has not been reported in the literature in individuals affected with RNASEH1-related conditions. This variant is present in population databases (rs778030645, gnomAD 0.02%). This sequence change affects codon 265 of the RNASEH1 mRNA. It is a 'silent' change, meaning that it does not change the encoded amino acid sequence of the RNASEH1 protein. Algorithms developed to predict the effect of sequence changes on RNA splicing suggest that this variant may create or strengthen a splice site. In summary, the available evidence is currently insufficient to determine the role of this variant in disease. Therefore, it has been classified as a Variant of Uncertain Significance.

NM_002936.6(RNASEH1):c.795G>A (p.Ser265=)

Gene: RNASEH1 (ribonuclease H1; minus strand). Cytogenetic location: 2p25.3.
Variant type: single nucleotide variant.
Coding change: c.795G>A on transcript NM_002936.6 (MANE Select); coding-DNA position 795, G replaced by A.
Protein change: p.Ser265=; no amino-acid change (serine 265 retained).
Molecular consequence: synonymous variant. On other transcripts: missense variant (1), non-coding transcript variant (7).
Genome position (GRCh38, 1-based): chr2:3,545,851, C>T on the plus strand (G>A on the coding strand, the complement: RNASEH1 is on the minus strand). VCF-style: chr2-3545851-C-T. GRCh37 (hg19) VCF-style: chr2-3593441-C-T.
Other names: c.717G>A, p.Ser239= (NM_001286834.3); c.444G>A, p.Ser148= (NM_001286837.3); c.815G>A, p.Arg272Gln (NM_001378271.1); c.792G>A, p.Ser264= (NM_001378272.1); c.780G>A, p.Ser260= (NM_001378273.1); short protein forms R272Q.
Identifiers: ClinVar variation 1979116 (VCV001979116.2), dbSNP rs778030645, ClinGen allele CA1516124.